The following is an entry in ClinVar:

ClinVar aggregate classification (germline): Uncertain significance (1 of 4 stars; one submission).

Submission:

Laboratory for Molecular Medicine, Mass General Brigham Personalized Medicine
Classification: Uncertain significance. Last evaluated: 2015-07-02. Review status: criteria provided, single submitter. Criteria: LMM Criteria. Collection method: clinical testing. Allele origin: germline. Observed: 1 variant allele.
Comment: The p.Gln309His variant in DSP has not been previously reported in individuals w ith cardiomyopathy or in large population studies. Computational prediction tool s and conservation analysis do not provide strong support for or against an impa ct to the protein. In summary, the clinical significance of the p.Gln309His vari ant is uncertain.

NM_004415.4(DSP):c.927G>T (p.Gln309His)

Gene: DSP (desmoplakin; plus strand). Cytogenetic location: 6p24.3.
Variant type: single nucleotide variant.
Coding change: c.927G>T on transcript NM_004415.4 (MANE Select); coding-DNA position 927, G replaced by T.
Protein change: p.Gln309His; replaces glutamine 309 with histidine.
Molecular consequence: missense variant.
Genome position (GRCh38, 1-based): chr6:7,565,508, G>T. VCF-style: chr6-7565508-G-T. GRCh37 (hg19) VCF-style: chr6-7565741-G-T.
Other names: c.927G>T, p.Gln309His (NM_001008844.3, NM_001319034.2); short protein forms Q309H.
Identifiers: ClinVar variation 228651 (VCV000228651.4), dbSNP rs876657800, ClinGen allele CA10576694.